The following is an entry in ClinVar:

NM_003072.5(SMARCA4):c.4823G>T (p.Arg1608Leu)

Gene: SMARCA4 (SWI/SNF related BAF chromatin remodeling complex subunit ATPase 4; plus strand). Cytogenetic location: 19p13.2.
Variant type: single nucleotide variant.
Coding change: c.4823G>T on transcript NM_003072.5 (MANE Select); coding-DNA position 4823, G replaced by T.
Protein change: p.Arg1608Leu; replaces arginine 1608 with leucine.
Molecular consequence: missense variant. On other transcripts: non-coding transcript variant (1).
Genome position (GRCh38, 1-based): chr19:11,060,099, G>T. VCF-style: chr19-11060099-G-T. GRCh37 (hg19) VCF-style: chr19-11170775-G-T.
Other names: c.4823G>T, p.Arg1608Leu (NM_001128844.3); c.4733G>T, p.Arg1578Leu (NM_001128845.2); c.4730G>T, p.Arg1577Leu (NM_001128846.2); c.4724G>T, p.Arg1575Leu (NM_001128847.4, NM_001374457.1); c.4721G>T, p.Arg1574Leu (NM_001128848.2); c.4919G>T, p.Arg1640Leu (NM_001128849.3, NM_001387283.1); c.4820G>T, p.Arg1607Leu (NM_001411150.1); short protein forms R1574L, R1607L, R1608L, R1575L, R1577L, R1578L, R1640L.
Identifiers: ClinVar variation 3674339 (VCV003674339.2).
Genomic context (GRCh38, chr19:11,060,099, plus strand): 5'-CTCCAGCTCGGTCCGTCAAAGTGAAGATCAAGCTTGGCCGGAAGGAGAAGGCACAGGACC[G>T]GCTGAAGGGCGGCCGGCGGCGGCCGAGCCGAGGGTCCCGAGCCAAGCCGGTCGTGAGTGA-3'
Protein context (NP_003063.2, residues 1598-1618): KLGRKEKAQD[Arg1608Leu]LKGGRRRPSR

ClinVar aggregate classification (germline): Uncertain significance (1 of 4 stars; one submission).

Conditions:
Rhabdoid tumor predisposition syndrome 2 (RTPS2). Identifiers: Orphanet 231108, Orphanet 69077, MedGen C2750074, MONDO:0013224, OMIM 613325.

Submission:

Labcorp Genetics (formerly Invitae), Labcorp
Classification: Uncertain significance for Rhabdoid tumor predisposition syndrome 2. Last evaluated: 2025-01-02. Review status: criteria provided, single submitter. Criteria: Invitae Variant Classification Sherloc (09022015). Collection method: clinical testing. Allele origin: germline.
Comment: This sequence change replaces arginine, which is basic and polar, with leucine, which is neutral and non-polar, at codon 1640 of the SMARCA4 protein (p.Arg1640Leu). This variant is not present in population databases (gnomAD no frequency). This variant has not been reported in the literature in individuals affected with SMARCA4-related conditions. Invitae Evidence Modeling of protein sequence and biophysical properties (such as structural, functional, and spatial information, amino acid conservation, physicochemical variation, residue mobility, and thermodynamic stability) indicates that this missense variant is not expected to disrupt SMARCA4 protein function with a negative predictive value of 80%. In summary, the available evidence is currently insufficient to determine the role of this variant in disease. Therefore, it has been classified as a Variant of Uncertain Significance.